The following is an entry in ClinVar:

NM_003690.5(PRKRA):c.314_318-1del

Gene: PRKRA (protein activator of interferon induced protein kinase EIF2AK2; minus strand). Cytogenetic location: 2q31.2.
Variant type: Deletion.
Coding change: c.314_318-1del on transcript NM_003690.5 (MANE Select); coding-DNA position 314 through the canonical splice acceptor site of the intron before coding-DNA position 318, 3,008 bases deleted.
Molecular consequence: splice acceptor variant, splice donor variant.
Genome position (GRCh38, 1-based): chr2:178,444,501-178,447,508, 3,008 bases deleted. GRCh37 (hg19): chr2:179,309,228-179,312,235.
Other names: c.-136_-22-1del (NM_001316362.2); c.281_285-1del (NM_001139517.1); c.239_243-1del (NM_001139518.1).
Identifiers: ClinVar variation 4845616 (VCV004845616.1).

ClinVar aggregate classification (germline): Uncertain significance (1 of 4 stars; one submission).

Conditions:
Tinnitus with mild cognitive impairment (MCI).

Submission:

Meniere Disease Neuroscience Research Program, Faculty of Medicine and Health, Kolling Institute, The University of Sydney
Classification: Uncertain significance for Tinnitus with mild cognitive impairment (MCI). Last evaluated: 2020-09-01. Review status: criteria provided, single submitter. Criteria: ACMG Guidelines, 2015. Collection method: research. Allele origin: germline. Affected: yes.
Comment: The chr2:178444501_178447508del is a structural variant in the PRKRA gene that has been found in 14 individuals of Non-Finnish European ancestry with tinnitus and associated mild cognitive decline. This variant has an deletion of 3kb, predicted as a loss-of-function variant with exon fraction loss and frameshift. The variant is classified as a variant of uncertain significance (VUS), based on the ACMG/AMP criteria (PS4, PVS1).